The following is an entry in ClinVar:

ClinVar aggregate classification (germline): Likely pathogenic (0 of 4 stars; one submission).

Conditions:
PRR12-related disorder. Also called: PRR12-related condition.

Submission:

PreventionGenetics, part of Exact Sciences
Classification: Likely pathogenic for PRR12-related condition. Last evaluated: 2024-07-18. Review status: no assertion criteria provided. Collection method: clinical testing. Allele origin: germline.
Comment: The PRR12 c.3535dupC variant is predicted to result in a frameshift and premature protein termination (p.Leu1179Profs*34). To our knowledge, this variant has not been reported in the literature or in a large population database, indicating this variant is rare. Frameshift variants in PRR12 are expected to be pathogenic. This variant is interpreted as likely pathogenic.

NM_020719.3(PRR12):c.3535dup (p.Leu1179fs)

Gene: PRR12 (proline rich 12; plus strand). Cytogenetic location: 19q13.33.
Variant type: Duplication.
Coding change: c.3535dup on transcript NM_020719.3 (MANE Select); coding-DNA position 3535, one base duplicated (C; older notation c.3535dupC).
Protein change: p.Leu1179fs; shifts the reading frame from leucine 1179.
Molecular consequence: frameshift variant.
Genome position (GRCh38, 1-based): chr19:49,597,870, C duplicated; the last of 5 consecutive C bases (chr19:49,597,866-49,597,870); duplicating any one gives the same sequence. VCF-style (leftmost placement, unchanged base first): chr19-49597865-G-GC. GRCh37 (hg19) VCF-style: chr19-50101122-G-GC.
Other names: short protein forms L1179fs.
Identifiers: ClinVar variation 3346053 (VCV003346053.1).